The following is an entry in ClinVar:

ClinVar aggregate classification (germline): Likely pathogenic (1 of 4 stars; one submission).

Conditions:
Hematuria. Identifiers: MedGen C0018965, HP:0000790.

gnomAD v4.1: 4 of 1,211,003 alleles (0.00033%); highest among the groups gnomAD compares: Non-Finnish European, 0.00045%; no homozygotes.

Submission:

Genetics Laboratory, Great Ormond Street Hospital NHS Foundation Trust, North Thames Genomic Laboratory Hub
Classification: Likely pathogenic for Haematuria. Last evaluated: 2026-06-02. Review status: criteria provided, single submitter. Criteria: ACGS Best Practice Guidelines for Variant Classification in Rare Disease 2024 v1.2. Collection method: clinical testing. Allele origin: germline. Affected: yes.
Comment: PM2_moderate, PP3_supporting, PM5_supporting, PM1_strong

NM_033380.3(COL4A5):c.4244G>T (p.Gly1415Val)

Gene: COL4A5 (collagen type IV alpha 5 chain; plus strand). Cytogenetic location: Xq22.3.
Variant type: single nucleotide variant.
Coding change: c.4244G>T on transcript NM_033380.3 (MANE Select); coding-DNA position 4244, G replaced by T.
Protein change: p.Gly1415Val; replaces glycine 1415 with valine.
Molecular consequence: missense variant.
Genome position (GRCh38, 1-based): chrX:108,686,058, G>T. VCF-style: chrX-108686058-G-T. GRCh37 (hg19) VCF-style: chrX-107929288-G-T.
Other names: c.4226G>T, p.Gly1409Val (NM_000495.5); short protein forms G1409V, G1415V.
Identifiers: ClinVar variation 4879882 (VCV004879882.1).